The following is an entry in ClinVar:

ClinVar aggregate classification (germline): Uncertain significance (1 of 4 stars; one submission).

Submission:

CeGaT Center for Human Genetics Tuebingen
Classification: Uncertain significance. Last evaluated: 2024-01-01. Review status: criteria provided, single submitter. Criteria: CeGaT Center For Human Genetics Tuebingen Variant Classification Criteria Version 2. Collection method: clinical testing. Allele origin: germline. Affected: yes. Observed: 1 variant allele.
Comment: MYBPC3: PM2, BP4

NM_000256.3(MYBPC3):c.3425A>C (p.Gln1142Pro)

Gene: MYBPC3 (myosin binding protein C3; minus strand). Cytogenetic location: 11p11.2.
Variant type: single nucleotide variant.
Coding change: c.3425A>C on transcript NM_000256.3 (MANE Select); coding-DNA position 3425, A replaced by C.
Protein change: p.Gln1142Pro; replaces glutamine 1142 with proline.
Molecular consequence: missense variant.
Genome position (GRCh38, 1-based): chr11:47,332,879, T>G on the plus strand (A>C on the coding strand, the complement: MYBPC3 is on the minus strand). VCF-style: chr11-47332879-T-G. GRCh37 (hg19) VCF-style: chr11-47354430-T-G.
Other names: short protein forms Q1142P.
Identifiers: ClinVar variation 3026775 (VCV003026775.22), dbSNP rs2095878587, ClinGen allele CA380313380.